The following is an entry in ClinVar:

ClinVar aggregate classification (germline): Uncertain significance. Review status: criteria provided, multiple submitters, no conflicts (2 of 4 stars). 2 submissions from 2 submitters: Uncertain significance (2). Last evaluated 2025-05-24.

Conditions:
Ataxia-telangiectasia syndrome (AT). Also called: ATAXIA-TELANGIECTASIA, COMPLEMENTATION GROUP A; ATAXIA-TELANGIECTASIA, FRESNO VARIANT; Ataxia-telangiectasia; Ataxia-telangiectasia, complementation group E; LOUIS-BAR SYNDROME; Cerebello-oculocutaneous telangiectasia. Identifiers: Orphanet 100, MedGen C0004135, MONDO:0008840, OMIM 208900.
Hereditary cancer-predisposing syndrome. Also called: Tumor predisposition; Hereditary Cancer Syndrome; Hereditary neoplastic syndrome; Neoplastic Syndromes, Hereditary. Identifiers: Orphanet 140162, MedGen C0027672, MeSH D009386, MONDO:0015356.

Submissions (2):

Ambry Genetics
Classification: Uncertain significance for Hereditary cancer-predisposing syndrome. Last evaluated: 2025-05-24. Review status: criteria provided, single submitter. Criteria: Ambry Variant Classification Scheme 2023. Collection method: clinical testing. Allele origin: germline.
Comment: The p.Q2414R variant (also known as c.7241A>G), located in coding exon 48 of the ATM gene, results from an A to G substitution at nucleotide position 7241. The glutamine at codon 2414 is replaced by arginine, an amino acid with highly similar properties. This amino acid position is conserved. In addition, this alteration is predicted to be tolerated by in silico analysis. Based on the available evidence, the clinical significance of this variant remains unclear.

Labcorp Genetics (formerly Invitae), Labcorp
Classification: Uncertain significance for Ataxia-telangiectasia syndrome. Last evaluated: 2023-01-30. Review status: criteria provided, single submitter. Criteria: Invitae Variant Classification Sherloc (09022015). Collection method: clinical testing. Allele origin: germline.
Comment: This variant is not present in population databases (gnomAD no frequency). In summary, the available evidence is currently insufficient to determine the role of this variant in disease. Therefore, it has been classified as a Variant of Uncertain Significance. Algorithms developed to predict the effect of missense changes on protein structure and function (SIFT, PolyPhen-2, Align-GVGD) all suggest that this variant is likely to be tolerated. This variant has not been reported in the literature in individuals affected with ATM-related conditions. This sequence change replaces glutamine, which is neutral and polar, with arginine, which is basic and polar, at codon 2414 of the ATM protein (p.Gln2414Arg).

NM_000051.4(ATM):c.7241A>G (p.Gln2414Arg)

Genes: ATM (ATM serine/threonine kinase; plus strand), C11orf65 (chromosome 11 open reading frame 65; minus strand). Cytogenetic location: 11q22.3.
Variant type: single nucleotide variant.
Coding change: c.7241A>G on transcript NM_000051.4 (MANE Select); coding-DNA position 7241, A replaced by G.
Protein change: p.Gln2414Arg; replaces glutamine 2414 with arginine.
Molecular consequence: missense variant. On other transcripts: intron variant (2).
Genome position (GRCh38, 1-based): chr11:108,329,172, A>G. VCF-style: chr11-108329172-A-G. GRCh37 (hg19) VCF-style: chr11-108199899-A-G.
Other names: c.7241A>G, p.Gln2414Arg (NM_001351834.2); c.641-20101T>C (NM_001330368.2); c.*38+6048T>C (NM_001351110.2); short protein forms Q2414R.
Identifiers: ClinVar variation 3018435 (VCV003018435.4), dbSNP rs2136419881, ClinGen allele CA382559706.
Genomic context (GRCh38, chr11:108,329,172, plus strand): 5'-CAGATACTCAATACCAAAGAATTGAAAACTACATGAAATCATCGGAATTTGAAAACAAGC[A>G]AGCTCTCCTGAAAAGAGCCAAAGAGGAAGTAGGTCTCCTTAGGGAACATAAAATTCAGAC-3'
Protein context (NP_000042.3, residues 2404-2424): YMKSSEFENK[Gln2414Arg]ALLKRAKEEV